The following is an entry in ClinVar:

ClinVar aggregate classification (germline): Uncertain significance (1 of 4 stars; one submission).

gnomAD v4.1: 8 of 1,612,434 alleles (0.0005%); highest among the groups gnomAD compares: African/African-American, 0.0013%; no homozygotes.

Submission:

Labcorp Genetics (formerly Invitae), Labcorp
Classification: Uncertain significance. Last evaluated: 2025-03-18. Review status: criteria provided, single submitter. Criteria: Invitae Variant Classification Sherloc (09022015). Collection method: clinical testing. Allele origin: germline.
Comment: This sequence change replaces arginine, which is basic and polar, with cysteine, which is neutral and slightly polar, at codon 239 of the NEK2 protein (p.Arg239Cys). The frequency data for this variant in the population databases is considered unreliable, as metrics indicate poor data quality at this position in the gnomAD database. This variant has not been reported in the literature in individuals affected with NEK2-related conditions. ClinVar contains an entry for this variant (Variation ID: 1935143). An algorithm developed to predict the effect of missense changes on protein structure and function (PolyPhen-2) suggests that this variant is likely to be tolerated. In summary, the available evidence is currently insufficient to determine the role of this variant in disease. Therefore, it has been classified as a Variant of Uncertain Significance.

NM_002497.4(NEK2):c.715C>T (p.Arg239Cys)

Gene: NEK2 (NIMA related kinase 2; minus strand). Cytogenetic location: 1q32.3.
Variant type: single nucleotide variant.
Coding change: c.715C>T on transcript NM_002497.4 (MANE Select); coding-DNA position 715, C replaced by T.
Protein change: p.Arg239Cys; replaces arginine 239 with cysteine.
Molecular consequence: missense variant.
Genome position (GRCh38, 1-based): chr1:211,670,331, G>A on the plus strand (C>T on the coding strand, the complement: NEK2 is on the minus strand). VCF-style: chr1-211670331-G-A. GRCh37 (hg19) VCF-style: chr1-211843673-G-A.
Other names: c.715C>T, p.Arg239Cys (NM_001204182.2, NM_001204183.2); short protein forms R239C.
Identifiers: ClinVar variation 1935143 (VCV001935143.5), dbSNP rs763642279, ClinGen allele CA1381613.